The following is an entry in ClinVar:

NC_000005.10:g.33985660TC[2]

Gene: SLC45A2 (solute carrier family 45 member 2; minus strand). Cytogenetic location: 5p13.2.
Variant type: Microsatellite.
Genome position: GRCh38 VCF-style: chr5-33985659-TTC-T. GRCh37 (hg19) VCF-style: chr5-33985764-TTC-T.
Identifiers: ClinVar variation 2655390 (VCV002655390.25), dbSNP rs199972025, ClinGen allele CA116905204.

ClinVar aggregate classification (germline): Benign/Likely benign. Review status: criteria provided, multiple submitters, no conflicts (2 of 4 stars). 2 submissions from 2 submitters: Benign (1); Likely benign (1). Last evaluated 2024-12-01.

Submissions (2):

CeGaT Center for Human Genetics Tuebingen
Classification: Benign. Last evaluated: 2024-12-01. Review status: criteria provided, single submitter. Criteria: CeGaT Center For Human Genetics Tuebingen Variant Classification Criteria Version 2. Collection method: clinical testing. Allele origin: germline. Affected: yes. Observed: 7 variant alleles.
Comment: SLC45A2: BS1, BS2

Blueprint Genetics
Classification: Likely benign. Last evaluated: 2024-11-26. Review status: criteria provided, single submitter. Criteria: ACMG Guidelines, 2015. Collection method: clinical testing. Allele origin: germline.